The following is an entry in ClinVar:

NM_022124.6(CDH23):c.9325C>T (p.Arg3109Cys)

Gene: CDH23 (cadherin related 23; plus strand). Cytogenetic location: 10q22.1.
Variant type: single nucleotide variant.
Coding change: c.9325C>T on transcript NM_022124.6 (MANE Select); coding-DNA position 9325, C replaced by T.
Protein change: p.Arg3109Cys; replaces arginine 3109 with cysteine.
Molecular consequence: missense variant. On other transcripts: 5 prime UTR variant (2).
Genome position (GRCh38, 1-based): chr10:71,811,960, C>T. VCF-style: chr10-71811960-C-T. GRCh37 (hg19) VCF-style: chr10-73571717-C-T.
Other names: c.2605C>T, p.Arg869Cys (NM_001171933.1, NM_001171934.1); c.-332C>T (NM_001171935.1, NM_001171936.1); c.9325C>T (NM_022124.5); short protein forms R869C, R3109C.
Identifiers: ClinVar variation 1354966 (VCV001354966.7), dbSNP rs754817937, ClinGen allele CA5546988.
Genomic context (GRCh38, chr10:71,811,960, plus strand): 5'-ACCCCTACCCCTGGCTATGCCCCTCCCCTCCATGCCCCAACCCTTCTCCCTGCAGGGAAT[C>T]GTGGCTTCATCGACATCATGGACATGCCTAACACCAACAAGTACTCCTTTGATGGGTGAG-3'
Protein context (NP_071407.4, residues 3099-3119): KAIVAGSAGN[Arg3109Cys]GFIDIMDMPN

ClinVar aggregate classification (germline): Uncertain significance. Review status: criteria provided, multiple submitters, no conflicts (2 of 4 stars). 3 submissions from 3 submitters: Uncertain significance (3). Last evaluated 2026-03-06.

Conditions:
CDH23-related disorder. Also called: CDH23-related condition; CDH23-related disorders.

Allele frequency attached by ClinVar (database versions not stated): gnomAD 0.00002.
gnomAD v4.1: 13 of 1,587,092 alleles (0.00082%); highest among the groups gnomAD compares: East Asian, 0.012%; no homozygotes.

Submissions (3):

PreventionGenetics, part of Exact Sciences
Classification: Uncertain significance for CDH23-related condition. Last evaluated: 2026-03-06. Review status: criteria provided, single submitter. Criteria: ACMG Guidelines, 2015. Collection method: clinical testing. Allele origin: germline.
Comment: The CDH23 c.9325C>T variant is predicted to result in the amino acid substitution p.Arg3109Cys. To our knowledge, this variant has not been reported in the literature. This variant is reported in 0.0056% of alleles in individuals of East Asian descent in gnomAD. At this time, the clinical significance of this variant is uncertain due to the absence of conclusive functional and genetic evidence.

Labcorp Genetics (formerly Invitae), Labcorp
Classification: Uncertain significance. Last evaluated: 2022-07-03. Review status: criteria provided, single submitter. Criteria: Invitae Variant Classification Sherloc (09022015). Collection method: clinical testing. Allele origin: germline.
Comment: This sequence change replaces arginine, which is basic and polar, with cysteine, which is neutral and slightly polar, at codon 3109 of the CDH23 protein (p.Arg3109Cys). This variant is present in population databases (rs754817937, gnomAD 0.006%). This variant has not been reported in the literature in individuals affected with CDH23-related conditions. ClinVar contains an entry for this variant (Variation ID: 1354966). Algorithms developed to predict the effect of missense changes on protein structure and function are either unavailable or do not agree on the potential impact of this missense change (SIFT: "Deleterious"; PolyPhen-2: "Not Available"; Align-GVGD: "Class C0"). In summary, the available evidence is currently insufficient to determine the role of this variant in disease. Therefore, it has been classified as a Variant of Uncertain Significance.

Blueprint Genetics
Classification: Uncertain significance. Last evaluated: 2020-05-12. Review status: criteria provided, single submitter. Criteria: ACMG Guidelines, 2015. Collection method: clinical testing. Allele origin: germline.